The following is an entry in ClinVar:

ClinVar aggregate classification (germline): Pathogenic. Review status: criteria provided, multiple submitters, no conflicts (2 of 4 stars). 2 submissions from 2 submitters: Pathogenic (2). Last evaluated 2023-06-07.

Conditions:
Hereditary leiomyomatosis and renal cell cancer. Also called: LEIOMYOMA, MULTIPLE CUTANEOUS; MULTIPLE CUTANEOUS AND UTERINE LEIOMYOMATA 1, WITH OR WITHOUT RENAL CELL CARCINOMA; Reed syndrome; Multiple cutaneous and uterine leiomyomatosis; Cutaneous leiomyomata with uterine leiomyomata; Leiomyoma, hereditary multiple, of skin. Identifiers: Orphanet 523, MedGen C1708350, MONDO:0007888, OMIM 150800, HP:0007437. Disease mechanism: loss of function.

Submissions (2):

Labcorp Genetics (formerly Invitae), Labcorp
Classification: Pathogenic. Last evaluated: 2023-06-07. Review status: criteria provided, single submitter. Criteria: Invitae Variant Classification Sherloc (09022015). Collection method: clinical testing. Allele origin: germline.
Comment: For these reasons, this variant has been classified as Pathogenic. ClinVar contains an entry for this variant (Variation ID: 393577). This variant has not been reported in the literature in individuals affected with FH-related conditions. This variant is not present in population databases (gnomAD no frequency). This sequence change creates a premature translational stop signal (p.Glu355*) in the FH gene. It is expected to result in an absent or disrupted protein product. Loss-of-function variants in FH are known to be pathogenic (PMID: 11865300, 21398687).

Genomic Diagnostic Laboratory, Division of Genomic Diagnostics, Children's Hospital of Philadelphia
Classification: Pathogenic for Hereditary leiomyomatosis and renal cell cancer. Last evaluated: 2017-01-17. Review status: criteria provided, single submitter. Criteria: DGD Variant Analysis Guidelines. Collection method: clinical testing. Allele origin: germline. Affected: yes. Observed: 1 variant allele.
Comment: Clinical Testing

Literature cited by the submitters: PubMed 11865300 (cited by Labcorp Genetics (formerly Invitae), Labcorp); PubMed 21398687 (cited by Labcorp Genetics (formerly Invitae), Labcorp).

NM_000143.4(FH):c.1063G>T (p.Glu355Ter)

Gene: FH (fumarate hydratase; minus strand). Cytogenetic location: 1q43.
Variant type: single nucleotide variant.
Coding change: c.1063G>T on transcript NM_000143.4 (MANE Select); coding-DNA position 1063, G replaced by T.
Protein change: p.Glu355Ter; replaces glutamic acid 355 with a stop codon.
Molecular consequence: nonsense.
Genome position (GRCh38, 1-based): chr1:241,504,087, C>A on the plus strand (G>T on the coding strand, the complement: FH is on the minus strand). VCF-style: chr1-241504087-C-A. GRCh37 (hg19) VCF-style: chr1-241667387-C-A.
Other names: short protein forms E355*.
Identifiers: ClinVar variation 393577 (VCV000393577.10), dbSNP rs1060499642, ClinGen allele CA16609363.
Genomic context (GRCh38, chr1:241,504,087, plus strand): 5'-TAGCTATGTGATTACCTGGCATGATACTGCTTCCTGGTTCATTTTCAGGCAAGATCAATT[C>A]TCCCAGACCTGACCGAGGACCAGAACCCAAAAATCGAATATCATTTGCTATCTTCATCAG-3'